The following is an entry in ClinVar:

NM_017654.4(SAMD9):c.1162G>A (p.Glu388Lys)

Gene: SAMD9 (sterile alpha motif domain containing 9; minus strand). Cytogenetic location: 7q21.2.
Variant type: single nucleotide variant.
Coding change: c.1162G>A on transcript NM_017654.4 (MANE Select); coding-DNA position 1162, G replaced by A.
Protein change: p.Glu388Lys; replaces glutamic acid 388 with lysine.
Molecular consequence: missense variant.
Genome position (GRCh38, 1-based): chr7:93,104,936, C>T on the plus strand (G>A on the coding strand, the complement: SAMD9 is on the minus strand). VCF-style: chr7-93104936-C-T. GRCh37 (hg19) VCF-style: chr7-92734249-C-T.
Other names: c.1162G>A, p.Glu388Lys (NM_001193307.2); short protein forms E388K.
Identifiers: ClinVar variation 4159103 (VCV004159103.1).
Genomic context (GRCh38, chr7:93,104,936, plus strand): 5'-AATTATCTAACAAATCTTGATTTCCTGTCAATAATTTAACCAACTTTGGTCCCTCTCTTT[C>T]TTTTTTATTTGTTTTTGCTCTGAATTTTTCTTCTGCTGCTTTTCTGGACTCTGCCAGTGT-3'
Protein context (NP_060124.2, residues 378-398): EKFRAKTNKK[Glu388Lys]REGPKLVKLL

ClinVar aggregate classification (germline): Uncertain significance (1 of 4 stars; one submission).

Conditions:
Inborn genetic diseases. Identifiers: MedGen C0950123, MeSH D030342.

Submission:

Ambry Genetics
Classification: Uncertain significance for Inborn genetic diseases. Last evaluated: 2025-07-28. Review status: criteria provided, single submitter. Criteria: Ambry Variant Classification Scheme 2023. Collection method: clinical testing. Allele origin: germline.
Comment: The p.E388K variant (also known as c.1162G>A), located in coding exon 1 of the SAMD9 gene, results from a G to A substitution at nucleotide position 1162. The glutamic acid at codon 388 is replaced by lysine, an amino acid with similar properties. This amino acid position is conserved. In addition, this alteration is predicted to be tolerated by in silico analysis. Based on the available evidence, the clinical significance of this variant remains unclear.